The following is an entry in ClinVar:

ClinVar aggregate classification (germline): Pathogenic (1 of 4 stars; one submission).

Conditions:
Microcephaly, normal intelligence and immunodeficiency (NBS). Also called: Immunodeficiency, microcephaly with normal intelligence; Ataxia telangiectasia variant V1; IMMUNODEFICIENCY, MICROCEPHALY, AND CHROMOSOMAL INSTABILITY; BERLIN BREAKAGE SYNDROME; SEEMANOVA SYNDROME II; Nijmegen breakage syndrome. Identifiers: Orphanet 647, MedGen C0398791, MONDO:0009623, OMIM 251260.

Submission:

Labcorp Genetics (formerly Invitae), Labcorp
Classification: Pathogenic for Microcephaly, normal intelligence and immunodeficiency. Last evaluated: 2022-07-20. Review status: criteria provided, single submitter. Criteria: Invitae Variant Classification Sherloc (09022015). Collection method: clinical testing. Allele origin: germline.
Comment: This sequence change creates a premature translational stop signal (p.Gly27Trpfs*10) in the NBN gene. It is expected to result in an absent or disrupted protein product. Loss-of-function variants in NBN are known to be pathogenic (PMID: 9590180, 16415040). This variant is not present in population databases (gnomAD no frequency). This variant has not been reported in the literature in individuals affected with NBN-related conditions. For these reasons, this variant has been classified as Pathogenic.

Literature cited by the submitters: PubMed 9590180; PubMed 16415040.

NM_002485.5(NBN):c.78dup (p.Gly27fs)

Gene: NBN (nibrin; minus strand). Cytogenetic location: 8q21.3.
Variant type: Duplication.
Coding change: c.78dup on transcript NM_002485.5 (MANE Select); coding-DNA position 78, one base duplicated (T; older notation c.78dupT).
Protein change: p.Gly27fs; shifts the reading frame from glycine 27.
Molecular consequence: frameshift variant. On other transcripts: 5 prime UTR variant (1).
Genome position (GRCh38, 1-based): chr8:89,982,815, A duplicated on the plus strand (T on the coding strand, the reverse complement: NBN is on the minus strand); the first of 2 consecutive A bases (chr8:89,982,815-89,982,816); duplicating either gives the same sequence. VCF-style (leftmost placement, unchanged base first): chr8-89982814-C-CA. GRCh37 (hg19) VCF-style: chr8-90995042-C-CA.
Other names: c.-219dup (NM_001024688.3); short protein forms G27fs.
Identifiers: ClinVar variation 2018273 (VCV002018273.4), dbSNP rs2488369449, ClinGen allele CA2580079432.